The following is an entry in ClinVar:

ClinVar aggregate classification (germline): Uncertain significance (1 of 4 stars; one submission).

Conditions:
Hypertrophic cardiomyopathy 19. Also called: Familial hypertrophic cardiomyopathy 19. Identifiers: MedGen CN077603, MONDO:0013476.

Submission:

Labcorp Genetics (formerly Invitae), Labcorp
Classification: Uncertain significance for Hypertrophic cardiomyopathy 19. Last evaluated: 2023-10-23. Review status: criteria provided, single submitter. Criteria: Invitae Variant Classification Sherloc (09022015). Collection method: clinical testing. Allele origin: germline.
Comment: This sequence change replaces glutamine, which is neutral and polar, with lysine, which is basic and polar, at codon 377 of the CALR3 protein (p.Gln377Lys). This variant is not present in population databases (gnomAD no frequency). This variant has not been reported in the literature in individuals affected with CALR3-related conditions. Advanced modeling of protein sequence and biophysical properties (such as structural, functional, and spatial information, amino acid conservation, physicochemical variation, residue mobility, and thermodynamic stability) performed at Invitae indicates that this missense variant is not expected to disrupt CALR3 protein function. In summary, the available evidence is currently insufficient to determine the role of this variant in disease. Therefore, it has been classified as a Variant of Uncertain Significance.

NM_145046.5(CALR3):c.1129C>A (p.Gln377Lys)

Gene: CALR3 (calreticulin 3; minus strand). Cytogenetic location: 19p13.11.
Variant type: single nucleotide variant.
Coding change: c.1129C>A on transcript NM_145046.5 (MANE Select); coding-DNA position 1129, C replaced by A.
Protein change: p.Gln377Lys; replaces glutamine 377 with lysine.
Molecular consequence: missense variant.
Genome position (GRCh38, 1-based): chr19:16,479,157, G>T on the plus strand (C>A on the coding strand, the complement: CALR3 is on the minus strand). VCF-style: chr19-16479157-G-T. GRCh37 (hg19) VCF-style: chr19-16589968-G-T.
Other names: short protein forms Q377K.
Identifiers: ClinVar variation 2771166 (VCV002771166.3), dbSNP rs372514243, ClinGen allele CA404604814.